The following is an entry in ClinVar:

ClinVar aggregate classification (germline): Uncertain significance (1 of 4 stars; one submission).

Conditions:
Cardiovascular phenotype. Identifiers: MedGen CN230736.

Submission:

Ambry Genetics
Classification: Uncertain significance for Cardiovascular phenotype. Last evaluated: 2026-07-11. Review status: criteria provided, single submitter. Criteria: Ambry Variant Classification Scheme 2023. Collection method: clinical testing. Allele origin: germline.
Comment: The p.E312Q variant (also known as c.934G>C), located in coding exon 6 of the LCAT gene, results from a G to C substitution at nucleotide position 934. The glutamic acid at codon 312 is replaced by glutamine, an amino acid with highly similar properties. This amino acid position is conserved. In addition, the in silico prediction for this alteration is inconclusive. Based on the available evidence, the clinical significance of this variant remains unclear.

NM_000229.2(LCAT):c.934G>C (p.Glu312Gln)

Gene: LCAT (lecithin-cholesterol acyltransferase; minus strand). Cytogenetic location: 16q22.1.
Variant type: single nucleotide variant.
Coding change: c.934G>C on transcript NM_000229.2 (MANE Select); coding-DNA position 934, G replaced by C.
Protein change: p.Glu312Gln; replaces glutamic acid 312 with glutamine.
Molecular consequence: missense variant.
Genome position (GRCh38, 1-based): chr16:67,940,293, C>G on the plus strand (G>C on the coding strand, the complement: LCAT is on the minus strand). VCF-style: chr16-67940293-C-G. GRCh37 (hg19) VCF-style: chr16-67974196-C-G.
Other names: short protein forms E312Q.
Identifiers: ClinVar variation 5023509 (VCV005023509.1).